The following is an entry in ClinVar:

ClinVar aggregate classification (germline): Pathogenic. Review status: reviewed by expert panel (3 of 4 stars). 3 submissions from 3 submitters: Pathogenic (1). 2 of the submissions do not count toward it. Last evaluated 2016-10-18.

Conditions:
Hereditary cancer-predisposing syndrome. Also called: Hereditary Cancer Syndrome; Neoplastic Syndromes, Hereditary; Hereditary neoplastic syndrome; Tumor predisposition. Identifiers: Orphanet 140162, MedGen C0027672, MeSH D009386, MONDO:0015356.
Breast-ovarian cancer, familial, susceptibility to, 1 (BROVCA1). Also called: BRCA1 Hereditary Breast and Ovarian Cancer; OVARIAN CANCER, SUSCEPTIBILITY TO. Identifiers: Orphanet 145, MedGen C2676676, MONDO:0011450, OMIM 604370. Disease mechanism: loss of function.

Submissions (3):

Evidence-based Network for the Interpretation of Germline Mutant Alleles (ENIGMA)
Classification: Pathogenic for Breast-ovarian cancer, familial, susceptibility to, 1. Last evaluated: 2016-10-18. Review status: reviewed by expert panel. Criteria: ENIGMA BRCA1/2 Classification Criteria (2015). Collection method: curation. Allele origin: germline.
Comment: Variant allele predicted to encode a truncated non-functional protein.

Ambry Genetics
Classification: Pathogenic for Hereditary cancer-predisposing syndrome. Last evaluated: 2025-03-20. Review status: criteria provided, single submitter. Criteria: Ambry Variant Classification Scheme 2023. Collection method: clinical testing. Allele origin: germline. Not counted in ClinVar's aggregate classification.
Comment: The c.2340_2343delGGAA pathogenic mutation, located in coding exon 9 of the BRCA1 gene, results from a deletion of 4 nucleotides at nucleotide positions 2340 to 2343, causing a translational frameshift with a predicted alternate stop codon (p.E781Vfs*10). This alteration was identified in a cohort of Pakistani breast and/or ovarian cancer patients (Rashid MU et al. Hered Cancer Clin Pract, 2019 Sep;17:27). This variant is considered to be rare based on population cohorts in the Genome Aggregation Database (gnomAD). This alteration is expected to result in loss of function by premature protein truncation or nonsense-mediated mRNA decay. As such, this alteration is interpreted as a disease-causing mutation.

Consortium of Investigators of Modifiers of BRCA1/2 (CIMBA), c/o University of Cambridge
Classification: Pathogenic for Breast-ovarian cancer, familial, susceptibility to, 1. Last evaluated: 2015-10-02. Review status: criteria provided, single submitter. Criteria: CIMBA Mutation Classification guidelines May 2016. Collection method: clinical testing. Allele origin: germline. Not counted in ClinVar's aggregate classification.

Literature cited by the submitters: PubMed 31528241 (cited by Ambry Genetics).

NM_007294.4(BRCA1):c.2340_2343del (p.Glu781fs)

Gene: BRCA1 (BRCA1 DNA repair associated; minus strand). Cytogenetic location: 17q21.31.
Variant type: Deletion.
Coding change: c.2340_2343del on transcript NM_007294.4 (MANE Select); coding-DNA positions 2340 to 2343, 4 bases deleted (GGAA; older notation c.2340_2343delGGAA).
Protein change: p.Glu781fs; shifts the reading frame from glutamic acid 781.
Molecular consequence: frameshift variant. On other transcripts: intron variant (137).
Genome position (GRCh38, 1-based): chr17:43,093,188-43,093,191, TTCC deleted on the plus strand (GGAA on the coding strand, the reverse complement: BRCA1 is on the minus strand); deleting any 4 consecutive bases within chr17:43,093,188-43,093,192 gives the same sequence; the c. name uses the placement nearest the transcript's 3' end. VCF-style (leftmost placement, unchanged base first): chr17-43093187-TTTCC-T. GRCh37 (hg19) VCF-style: chr17-41245204-TTTCC-T.
Other names: 2459delGGAA; c.2337_2340del, p.Glu780fs (NM_001407587.1, NM_001407590.1, NM_001407591.1 and 22 more transcripts); c.2340_2343del, p.Glu781fs (NM_001407593.1, NM_001407594.1, NM_001407596.1 and 30 more transcripts); c.2331_2334del, p.Glu778fs (NM_001407646.1, NM_001407647.1); c.2217_2220del, p.Glu740fs (NM_001407648.1, NM_001407664.1, NM_001407665.1 and 19 more transcripts); c.2214_2217del, p.Glu739fs (NM_001407649.1, NM_001407670.1, NM_001407671.1 and 11 more transcripts); c.2262_2265del, p.Glu755fs (NM_001407653.1, NM_001407654.1, NM_001407655.1 and 4 more transcripts); c.2259_2262del, p.Glu754fs (NM_001407659.1, NM_001407660.1, NM_001407661.1 and 1 more transcripts); and 44 more; short protein forms E734fs, E781fs, E613fs, E653fs, E693fs, E733fs, E780fs, E485fs.
Identifiers: ClinVar variation 266251 (VCV000266251.8), dbSNP rs886040026, ClinGen allele CA10589861.
Genomic context (GRCh38, chr17:43,093,187, plus strand): 5'-CACATTTATTTGGTTCTGTTTTTGCCTTCCCTAGAGTGCTAACTTCCAGTAACGAGATAC[TTTCC>T]TGAGTGCCATAATCAGTACCAGGTACCAATGAAATACTGCTACTCTCTACAGATCTTTCA-3'